The following is an entry in ClinVar:

NM_000548.5(TSC2):c.336+33G>T

Gene: TSC2 (TSC complex subunit 2; plus strand). Cytogenetic location: 16p13.3.
Variant type: single nucleotide variant.
Coding change: c.336+33G>T on transcript NM_000548.5 (MANE Select); 33 bases into the intron after coding-DNA position 336, G replaced by T.
Molecular consequence: intron variant.
Genome position (GRCh38, 1-based): chr16:2,053,485, G>T. VCF-style: chr16-2053485-G-T. GRCh37 (hg19) VCF-style: chr16-2103486-G-T.
Other names: c.336+33G>T (NM_000548.4, NM_001114382.3, NM_021055.3 and 4 more transcripts); c.226-811G>T (NM_001318827.2); c.-1-2711G>T (NM_001318831.2); c.189+33G>T (NM_001318829.2); c.369+33G>T (NM_001318832.2).
Identifiers: ClinVar variation 49810 (VCV000049810.5), dbSNP rs45517104, ClinGen allele CA018993.

ClinVar aggregate classification (germline): Benign/Likely benign. Review status: criteria provided, multiple submitters, no conflicts (2 of 4 stars). 5 submissions from 5 submitters: Benign (2); Likely benign (2). 1 of the submissions does not count toward it. Last evaluated 2023-07-07.

Conditions:
Tuberous sclerosis syndrome (TSC). Also called: Tuberous Sclerosis Complex; Tuberous sclerosis. Identifiers: Orphanet 805, MedGen C0041341, MONDO:0001734.
Tuberous sclerosis 2 (TSC2). Identifiers: Orphanet 805, MedGen C1860707, MONDO:0013199, OMIM 613254.

Allele frequency attached by ClinVar (database versions not stated): 1000 Genomes Project 30x 0.00906; 1000 Genomes Project 0.00919; TOPMed 0.01096; ESP Exome Variant Server 0.01099.
gnomAD v4.1: 3,017 of 1,537,496 alleles (0.2%); highest among the groups gnomAD compares: African/African-American, 3.5%; 52 homozygotes.

Submissions (5):

KCCC/NGS Laboratory, Kuwait Cancer Control Center
Classification: Benign for Tuberous sclerosis 2. Last evaluated: 2023-07-07. Review status: criteria provided, single submitter. Criteria: ACMG Guidelines, 2015. Collection method: clinical testing. Allele origin: germline. Affected: yes.

GeneDx
Classification: Likely benign. Last evaluated: 2018-06-14. Review status: criteria provided, single submitter. Criteria: GeneDx Variant Classification (06012015). Collection method: clinical testing. Allele origin: germline. Affected: yes.
Comment: This variant is considered likely benign or benign based on one or more of the following criteria: it is a conservative change, it occurs at a poorly conserved position in the protein, it is predicted to be benign by multiple in silico algorithms, and/or has population frequency not consistent with disease.

Breakthrough Genomics
Classification: Likely benign. Review status: criteria provided, single submitter. Criteria: ACMG Guidelines, 2015. Collection method: not provided. Allele origin: germline. Inheritance: Autosomal dominant inheritance. Affected: yes.

PreventionGenetics, part of Exact Sciences
Classification: Benign. Review status: criteria provided, single submitter. Criteria: ACMG Guidelines, 2015. Collection method: clinical testing. Allele origin: germline.

Tuberous sclerosis database (TSC2)
No classification provided. Condition: TSC. Review status: no classification provided. Criteria: Tuberous Sclerosis Database Assertion Criteria 2015. Collection method: curation. Allele origin: germline. Affected: yes. Not counted in ClinVar's aggregate classification.